The following is an entry in ClinVar:

NM_004260.4(RECQL4):c.812G>A (p.Ser271Asn)

Gene: RECQL4 (RecQ like helicase 4; minus strand). Cytogenetic location: 8q24.3.
Variant type: single nucleotide variant.
Coding change: c.812G>A on transcript NM_004260.4 (MANE Select); coding-DNA position 812, G replaced by A.
Protein change: p.Ser271Asn; replaces serine 271 with asparagine.
Molecular consequence: missense variant. On other transcripts: 5 prime UTR variant (17), non-coding transcript variant (3).
Genome position (GRCh38, 1-based): chr8:144,516,307, C>T on the plus strand (G>A on the coding strand, the complement: RECQL4 is on the minus strand). VCF-style: chr8-144516307-C-T. GRCh37 (hg19) VCF-style: chr8-145741691-C-T.
Other names: c.-322G>A (NM_001413032.1, NM_001413041.1, NM_001413027.1 and 2 more transcripts); c.812G>A, p.Ser271Asn (NM_001413033.1, NM_001413036.1, NM_001413039.1 and 4 more transcripts); c.-164G>A (NM_001413034.1); c.-260G>A (NM_001413035.1, NM_001413037.1, NM_001413038.1 and 7 more transcripts); c.-529G>A (NM_001413043.1); c.683G>A, p.Ser228Asn (NM_001413025.1); c.461G>A, p.Ser154Asn (NM_001413029.1); short protein forms S271N, S154N, S228N.
Identifiers: ClinVar variation 2966861 (VCV002966861.3), dbSNP rs2538089437, ClinGen allele CA372689120.
Genomic context (GRCh38, chr8:144,516,307, plus strand): 5'-GCCCCAGCCCCCTCCGATGGGGGTCCAGCTTGGCTGCTCTCCTGCTGGACCTGTGCGGGG[C>T]TCTCCCAGGGCTCCTCGTTCCATCTCCGCTTCTCGCCTCCACTGCTGCTGGGCTGGGGGC-3'
Protein context (NP_004251.4, residues 261-281): KRRWNEEPWE[Ser271Asn]PAQVQQESSQ

ClinVar aggregate classification (germline): Uncertain significance (1 of 4 stars; one submission).

Conditions:
Baller-Gerold syndrome (BGS). Also called: CRANIOSYNOSTOSIS WITH RADIAL DEFECTS. Identifiers: Orphanet 1225, MedGen C0265308, MONDO:0009039, OMIM 218600.

Submission:

Labcorp Genetics (formerly Invitae), Labcorp
Classification: Uncertain significance for Baller-Gerold syndrome. Last evaluated: 2023-02-27. Review status: criteria provided, single submitter. Criteria: Invitae Variant Classification Sherloc (09022015). Collection method: clinical testing. Allele origin: germline.
Comment: In summary, the available evidence is currently insufficient to determine the role of this variant in disease. Therefore, it has been classified as a Variant of Uncertain Significance. Advanced modeling of protein sequence and biophysical properties (such as structural, functional, and spatial information, amino acid conservation, physicochemical variation, residue mobility, and thermodynamic stability) performed at Invitae indicates that this missense variant is not expected to disrupt RECQL4 protein function. This variant has not been reported in the literature in individuals affected with RECQL4-related conditions. This variant is not present in population databases (gnomAD no frequency). This sequence change replaces serine, which is neutral and polar, with asparagine, which is neutral and polar, at codon 271 of the RECQL4 protein (p.Ser271Asn).